The following is an entry in ClinVar:

ClinVar aggregate classification (germline): Uncertain significance (1 of 4 stars; one submission).

Conditions:
Multiple mitochondrial dysfunctions syndrome 3 (MMDS3). Identifiers: Orphanet 363424, MedGen C3809165, MONDO:0014132, OMIM 615330.
Hereditary spastic paraplegia 74. Also called: Spastic paraplegia 74, autosomal recessive. Identifiers: Orphanet 468661, MedGen C5568837, MONDO:0014644, OMIM 616451.

Submission:

Labcorp Genetics (formerly Invitae), Labcorp
Classification: Uncertain significance for Multiple mitochondrial dysfunctions syndrome 3; Hereditary spastic paraplegia 74. Last evaluated: 2024-12-02. Review status: criteria provided, single submitter. Criteria: Invitae Variant Classification Sherloc (09022015). Collection method: clinical testing. Allele origin: germline.
Comment: This sequence change replaces leucine, which is neutral and non-polar, with proline, which is neutral and non-polar, at codon 58 of the IBA57 protein (p.Leu58Pro). This variant is not present in population databases (gnomAD no frequency). This variant has not been reported in the literature in individuals affected with IBA57-related conditions. ClinVar contains an entry for this variant (Variation ID: 2135371). Invitae Evidence Modeling of protein sequence and biophysical properties (such as structural, functional, and spatial information, amino acid conservation, physicochemical variation, residue mobility, and thermodynamic stability) indicates that this missense variant is expected to disrupt IBA57 protein function with a positive predictive value of 80%. In summary, the available evidence is currently insufficient to determine the role of this variant in disease. Therefore, it has been classified as a Variant of Uncertain Significance.

NM_001010867.4(IBA57):c.173T>C (p.Leu58Pro)

Gene: IBA57 (iron-sulfur cluster assembly factor IBA57; plus strand). Cytogenetic location: 1q42.13.
Variant type: single nucleotide variant.
Coding change: c.173T>C on transcript NM_001010867.4 (MANE Select); coding-DNA position 173, T replaced by C.
Protein change: p.Leu58Pro; replaces leucine 58 with proline.
Molecular consequence: missense variant.
Genome position (GRCh38, 1-based): chr1:228,165,989, T>C. VCF-style: chr1-228165989-T-C. GRCh37 (hg19) VCF-style: chr1-228353690-T-C.
Other names: short protein forms L58P.
Identifiers: ClinVar variation 2135371 (VCV002135371.4), dbSNP rs2527900489, ClinGen allele CA345105297.